The following is an entry in ClinVar:

ClinVar aggregate classification (germline): Likely pathogenic (1 of 4 stars; one submission).

Conditions:
Intellectual developmental disorder, autosomal dominant 29. Also called: SETBP1 Haploinsufficiency Disorder; Intellectual disability, autosomal dominant 29. Identifiers: Orphanet 436151, MedGen C4015141, MONDO:0014482, OMIM 616078.

Submission:

MVZ Medizinische Genetik Mainz
Classification: Likely pathogenic for Intellectual developmental disorder, autosomal dominant 29. Last evaluated: 2024-06-07. Review status: criteria provided, single submitter. Criteria: UK Practice Guidelines For Variant Classification V4 01 2020. Collection method: clinical testing. Allele origin: germline. Inheritance: Autosomal dominant inheritance. Affected: yes. Observed: 1 variant allele.
Comment: ACMG Criteria: PVS1,PM2_SUP

NM_015559.3(SETBP1):c.2338del (p.Ser780fs)

Gene: SETBP1 (SET binding protein 1; plus strand). Cytogenetic location: 18q12.3.
Variant type: Deletion.
Coding change: c.2338del on transcript NM_015559.3 (MANE Select); coding-DNA position 2338, one base deleted (T; older notation c.2338delT).
Protein change: p.Ser780fs; shifts the reading frame from serine 780.
Molecular consequence: frameshift variant.
Genome position (GRCh38, 1-based): chr18:44,951,678, T deleted; the last of 3 consecutive T bases (chr18:44,951,676-44,951,678); deleting any one gives the same sequence. VCF-style (leftmost placement, unchanged base first): chr18-44951675-CT-C. GRCh37 (hg19) VCF-style: chr18-42531640-CT-C.
Other names: c.2338del, p.Ser780fs (NM_001379141.1, NM_001379142.1, NM_001410862.1); short protein forms S780fs.
Identifiers: ClinVar variation 3256636 (VCV003256636.1).